The following is an entry in ClinVar:

NM_201384.3(PLEC):c.9423C>T (p.Gly3141=)

Gene: PLEC (plectin; minus strand). Cytogenetic location: 8q24.3.
Variant type: single nucleotide variant.
Coding change: c.9423C>T on transcript NM_201384.3 (MANE Select); coding-DNA position 9423, C replaced by T.
Protein change: p.Gly3141=; no amino-acid change (glycine 3141 retained).
Molecular consequence: synonymous variant.
Genome position (GRCh38, 1-based): chr8:143,920,398, G>A on the plus strand (C>T on the coding strand, the complement: PLEC is on the minus strand). VCF-style: chr8-143920398-G-A. GRCh37 (hg19) VCF-style: chr8-144994566-G-A.
Other names: p.Gly3127=; c.9504C>T, p.Gly3168= (NM_000445.5); c.9381C>T, p.Gly3127= (NM_201378.4); c.9357C>T, p.Gly3119= (NM_201379.3); c.9834C>T, p.Gly3278= (NM_201380.4); c.9327C>T, p.Gly3109= (NM_201381.3); c.9423C>T, p.Gly3141= (NM_201382.4); c.9435C>T, p.Gly3145= (NM_201383.3).
Identifiers: ClinVar variation 129961 (VCV000129961.28), dbSNP rs61529674, ClinGen allele CA154663.

ClinVar aggregate classification (germline): Benign. Review status: criteria provided, multiple submitters, no conflicts (2 of 4 stars). 8 submissions from 8 submitters: Benign (7). 1 of the submissions does not count toward it. Last evaluated 2026-02-01.

Conditions:
Epidermolysis bullosa simplex 5C, with pyloric atresia (EBS5C). Also called: PLEC-Related Epidermolysis Bullosa with Pyloric Atresia; Epidermolysis bullosa simplex with pyloric atresia; PLEC1-Related Epidermolysis Bullosa with Pyloric Atresia. Identifiers: Orphanet 158684, MedGen C2677349, MONDO:0012807, OMIM 612138.
Autosomal recessive limb-girdle muscular dystrophy type 2Q (LGMDR17). Also called: MUSCULAR DYSTROPHY, LIMB-GIRDLE, AUTOSOMAL RECESSIVE 17. Identifiers: Orphanet 254361, MedGen C3150989, MONDO:0013390, OMIM 613723.
Epidermolysis bullosa simplex with nail dystrophy (EBS5D). Identifiers: MedGen C4225309, MONDO:0014661, OMIM 616487.
Epidermolysis bullosa simplex 5B, with muscular dystrophy (EBS5B). Also called: Epidermolysis bullosa simplex with muscular dystrophy; EPIDERMOLYSIS BULLOSA SIMPLEX AND LIMB-GIRDLE MUSCULAR DYSTROPHY. Identifiers: Orphanet 257, MedGen C2931072, MONDO:0009181, OMIM 226670.
Epidermolysis bullosa simplex, Ogna type (EBS5A). Also called: Pidermolysis bullosa simplex 5A, Ogna type; EPIDERMOLYSIS BULLOSA SIMPLEX 5A, OGNA TYPE. Identifiers: Orphanet 79401, MedGen C0432317, MONDO:0007555, OMIM 131950.

Allele frequency attached by ClinVar (database versions not stated): ESP Exome Variant Server 0.00194; gnomAD 0.00421 and 0.00565; TOPMed 0.00909; ExAC 0.01201; 1000 Genomes Project 30x 0.02358; 1000 Genomes Project 0.02496.
gnomAD v4.1: 8,263 of 1,591,202 alleles (0.52%); highest among the groups gnomAD compares: East Asian, 10%; 260 homozygotes.

Submissions (8):

Labcorp Genetics (formerly Invitae), Labcorp
Classification: Benign for Autosomal recessive limb-girdle muscular dystrophy type 2Q; Epidermolysis bullosa simplex, Ogna type; Epidermolysis bullosa simplex with nail dystrophy; Epidermolysis bullosa simplex 5C, with pyloric atresia; Epidermolysis bullosa simplex 5B, with muscular dystrophy. Last evaluated: 2026-02-01. Review status: criteria provided, single submitter. Criteria: Invitae Variant Classification Sherloc (09022015). Collection method: clinical testing. Allele origin: germline.

Athena Diagnostics
Classification: Benign. Last evaluated: 2024-08-29. Review status: criteria provided, single submitter. Criteria: Athena Diagnostics Criteria. Collection method: clinical testing. Allele origin: unknown.

Mayo Clinic Laboratories, Mayo Clinic
Classification: Benign. Last evaluated: 2019-01-03. Review status: criteria provided, single submitter. Criteria: ACMG Guidelines, 2015. Collection method: clinical testing. Allele origin: germline. Observed: 21 variant alleles.

GeneDx
Classification: Benign. Last evaluated: 2016-10-25. Review status: criteria provided, single submitter. Criteria: GeneDx Variant Classification (06012015). Collection method: clinical testing. Allele origin: germline. Affected: yes.
Comment: This variant is considered likely benign or benign based on one or more of the following criteria: it is a conservative change, it occurs at a poorly conserved position in the protein, it is predicted to be benign by multiple in silico algorithms, and/or has population frequency not consistent with disease.

Eurofins Ntd Llc (ga)
Classification: Benign. Last evaluated: 2015-07-24. Review status: criteria provided, single submitter. Criteria: EGL Classification Definitions 2015. Collection method: clinical testing. Allele origin: germline. Observed: 1 variant allele, 1 heterozygote.

Laboratory for Molecular Medicine, Mass General Brigham Personalized Medicine
Classification: Benign. Last evaluated: 2015-01-13. Review status: criteria provided, single submitter. Criteria: LMM Criteria. Collection method: clinical testing. Allele origin: germline. Observed: 1 variant allele.
Comment: p.Gly3278Gly in exon 32 of PLEC: This variant is not expected to have clinical s ignificance because it does not alter an amino acid residue and is not located w ithin the splice consensus sequence. It has been identified in 12.4% (22/178) of Japanese chromosomes from a broad population by the 1000 Genomes Project (dbSNP rs61529674).

Breakthrough Genomics
Classification: Benign. Review status: criteria provided, single submitter. Criteria: ACMG Guidelines, 2015. Collection method: not provided. Allele origin: germline. Inheritance: Autosomal recessive inheritance. Affected: yes.

Genetic Services Laboratory, University of Chicago
Classification: Likely benign for AllHighlyPenetrant. Review status: no assertion criteria provided. Collection method: clinical testing. Allele origin: germline. Inheritance: Autosomal recessive inheritance. Not counted in ClinVar's aggregate classification.
Comment: Likely benign based on allele frequency in 1000 Genomes Project or ESP global frequency and its presence in a patient with a rare or unrelated disease phenotype. NOT Sanger confirmed.